The following is an entry in ClinVar:

NM_001854.4(COL11A1):c.5041-272G>C

Genes: COL11A1 (collagen type XI alpha 1 chain; minus strand), LOC126805814 (P300/CBP strongly-dependent group 1 enhancer GRCh37_chr1:103344928-103346127; plus strand). Cytogenetic location: 1p21.1.
Variant type: single nucleotide variant.
Coding change: c.5041-272G>C on transcript NM_001854.4 (MANE Select); 272 bases into the intron before coding-DNA position 5041, G replaced by C.
Molecular consequence: intron variant.
Genome position (GRCh38, 1-based): chr1:102,880,188, C>G on the plus strand (G>C on the coding strand, the complement: COL11A1 is on the minus strand). VCF-style: chr1-102880188-C-G. GRCh37 (hg19) VCF-style: chr1-103345744-C-G.
Other names: c.4924-272G>C (NM_001190709.2); c.5077-272G>C (NM_080629.3); c.4693-272G>C (NM_080630.4).
Identifiers: ClinVar variation 681209 (VCV000681209.1), dbSNP rs12722976, ClinGen allele CA15093699.
Genomic context (GRCh38, chr1:102,880,188, plus strand): 5'-CCACTGCTTATCTTTGAAAAAACCACTTTATCTCTAAGTCTTAGTTTCCTAAACAGTAAA[C>G]ACTATAAAAAATGCTTTAGTTTCCAAGAAATGTTTCAATATATTTCTGTATCTTTTTGAA-3'

ClinVar aggregate classification (germline): Benign (1 of 4 stars; one submission).

Allele frequency attached by ClinVar (database versions not stated): TOPMed 0.40436; gnomAD 0.40523 and 0.41442; 1000 Genomes Project 30x 0.43067; 1000 Genomes Project 0.43311.
gnomAD v4.1: 63,196 of 151,850 alleles (42%); highest among the groups gnomAD compares: East Asian, 66%; 15,747 homozygotes.

Submission:

GeneDx
Classification: Benign. Last evaluated: 2018-06-14. Review status: criteria provided, single submitter. Criteria: GeneDx Variant Classification (06012015). Collection method: clinical testing. Allele origin: germline. Affected: yes.
Comment: This variant is considered likely benign or benign based on one or more of the following criteria: it is a conservative change, it occurs at a poorly conserved position in the protein, it is predicted to be benign by multiple in silico algorithms, and/or has population frequency not consistent with disease.